The following is an entry in ClinVar:

NM_001304808.3(BRD1):c.1860G>A (p.Gly620=)

Gene: BRD1 (bromodomain containing 1; minus strand). Cytogenetic location: 22q13.33.
Variant type: single nucleotide variant.
Coding change: c.1860G>A on transcript NM_001304808.3 (MANE Select); coding-DNA position 1860, G replaced by A.
Protein change: p.Gly620=; no amino-acid change (glycine 620 retained).
Molecular consequence: synonymous variant. On other transcripts: non-coding transcript variant (2).
Genome position (GRCh38, 1-based): chr22:49,798,043, C>T on the plus strand (G>A on the coding strand, the complement: BRD1 is on the minus strand). VCF-style: chr22-49798043-C-T. GRCh37 (hg19) VCF-style: chr22-50191691-C-T.
Other names: c.1860G>A, p.Gly620= (NM_001304809.1, NM_001394551.1, NM_001394552.1); c.2007G>A, p.Gly669= (NM_001349940.2); c.1845G>A, p.Gly615= (NM_001349941.2); c.318G>A, p.Gly106= (NM_001349942.2, NM_001394550.1); c.1854G>A, p.Gly618= (NM_001394548.1); c.1839G>A, p.Gly613= (NM_001394549.1).
Identifiers: ClinVar variation 733982 (VCV000733982.27), dbSNP rs146099862, ClinGen allele CA10298930.

ClinVar aggregate classification (germline): Likely benign. Review status: criteria provided, multiple submitters, no conflicts (2 of 4 stars). 2 submissions from 2 submitters: Likely benign (2). Last evaluated 2023-02-01.

Allele frequency attached by ClinVar (database versions not stated): ESP Exome Variant Server 0.00015; ExAC 0.00016; gnomAD exomes 0.00017 and 0.00043; gnomAD 0.00021; TOPMed 0.00023.
gnomAD v4.1: 650 of 1,614,080 alleles (0.04%); highest among the groups gnomAD compares: Non-Finnish European, 0.053%; no homozygotes.

Submissions (2):

CeGaT Center for Human Genetics Tuebingen
Classification: Likely benign. Last evaluated: 2023-02-01. Review status: criteria provided, single submitter. Criteria: CeGaT Center For Human Genetics Tuebingen Variant Classification Criteria Version 2. Collection method: clinical testing. Allele origin: germline. Affected: yes. Observed: 2 variant alleles.
Comment: BRD1: BP4, BP7

Labcorp Genetics (formerly Invitae), Labcorp
Classification: Likely benign. Last evaluated: 2017-12-07. Review status: criteria provided, single submitter. Criteria: Invitae Variant Classification Sherloc (09022015). Collection method: clinical testing. Allele origin: germline.